The following is an entry in ClinVar:

ClinVar aggregate classification (germline): Uncertain significance (1 of 4 stars; one submission).

Conditions:
Hereditary cancer-predisposing syndrome. Also called: Neoplastic Syndromes, Hereditary; Tumor predisposition; Hereditary Cancer Syndrome; Hereditary neoplastic syndrome. Identifiers: Orphanet 140162, MedGen C0027672, MeSH D009386, MONDO:0015356.

Submission:

Ambry Genetics
Classification: Uncertain significance for Hereditary cancer-predisposing syndrome. Last evaluated: 2021-05-27. Review status: criteria provided, single submitter. Criteria: Ambry Variant Classification Scheme 2023. Collection method: clinical testing. Allele origin: germline.
Comment: The p.V742A variant (also known as c.2225T>C), located in coding exon 14 of the SMARCA4 gene, results from a T to C substitution at nucleotide position 2225. The valine at codon 742 is replaced by alanine, an amino acid with similar properties. Missense and in-frame variants in SMARCA4 are known to cause neurodevelopmental disorders; however, such associations with rhabdoid tumor predisposition syndrome including small cell carcinoma of the ovary-hypercalcemic type (SCCOHT) are exceedingly rare (Kosho T et al. Am J Med Genet C Semin Med Genet. 2014 Sep;166C(3):262-75; Jelinic P et al. Nat Genet. 2014 May;46(5):424-6). This amino acid position is highly conserved in available vertebrate species. In addition, this alteration is predicted to be deleterious by in silico analysis. Since supporting evidence is limited at this time, the clinical significance of this alteration remains unclear.

NM_003072.5(SMARCA4):c.2225T>C (p.Val742Ala)

Gene: SMARCA4 (SWI/SNF related BAF chromatin remodeling complex subunit ATPase 4; plus strand). Cytogenetic location: 19p13.2.
Variant type: single nucleotide variant.
Coding change: c.2225T>C on transcript NM_003072.5 (MANE Select); coding-DNA position 2225, T replaced by C.
Protein change: p.Val742Ala; replaces valine 742 with alanine.
Molecular consequence: missense variant. On other transcripts: non-coding transcript variant (1).
Genome position (GRCh38, 1-based): chr19:11,010,482, T>C. VCF-style: chr19-11010482-T-C. GRCh37 (hg19) VCF-style: chr19-11121158-T-C.
Other names: c.2225T>C, p.Val742Ala (NM_001128844.3, NM_001128845.2, NM_001128846.2 and 6 more transcripts); short protein forms V742A.
Identifiers: ClinVar variation 1787990 (VCV001787990.2), dbSNP rs2514637522, ClinGen allele CA404052871.